The following is an entry in ClinVar:

NM_005051.3(QARS1):c.1978_1979del (p.Leu661fs)

Gene: QARS1 (glutaminyl-tRNA synthetase 1; minus strand). Cytogenetic location: 3p21.31.
Variant type: Microsatellite.
Coding change: c.1978_1979del on transcript NM_005051.3 (MANE Select); coding-DNA positions 1978 to 1979, 2 bases deleted (AG; older notation c.1978_1979delAG).
Protein change: p.Leu661fs; shifts the reading frame from leucine 661.
Molecular consequence: frameshift variant. On other transcripts: non-coding transcript variant (1).
Genome position (GRCh38, 1-based): chr3:49,098,458-49,098,459, CT deleted on the plus strand (AG on the coding strand, the reverse complement: QARS1 is on the minus strand); deleting any 2 consecutive bases within chr3:49,098,458-49,098,463 gives the same sequence; the c. name uses the placement nearest the transcript's 3' end. VCF-style (leftmost placement, unchanged base first): chr3-49098457-ACT-A. GRCh37 (hg19) VCF-style: chr3-49135890-ACT-A.
Other names: c.1945_1946del, p.Leu650fs (NM_001272073.2); short protein forms L650fs, L661fs.
Identifiers: ClinVar variation 1456556 (VCV001456556.6), dbSNP rs1217013234, ClinGen allele CA907814719.

ClinVar aggregate classification (germline): Pathogenic (1 of 4 stars; one submission).

Conditions:
Diffuse cerebral and cerebellar atrophy - intractable seizures - progressive microcephaly syndrome. Also called: Microcephaly, progressive, with seizures and cerebral and cerebellar atrophy. Identifiers: Orphanet 404437, MedGen C4014239, MONDO:0014335, OMIM 615760.

Submission:

Labcorp Genetics (formerly Invitae), Labcorp
Classification: Pathogenic for Diffuse cerebral and cerebellar atrophy - intractable seizures - progressive microcephaly syndrome. Last evaluated: 2022-08-13. Review status: criteria provided, single submitter. Criteria: Invitae Variant Classification Sherloc (09022015). Collection method: clinical testing. Allele origin: germline.
Comment: This variant is not present in population databases (gnomAD no frequency). This sequence change creates a premature translational stop signal (p.Leu661Glyfs*27) in the QARS gene. It is expected to result in an absent or disrupted protein product. Loss-of-function variants in QARS are known to be pathogenic (PMID: 24656866, 25471517). For these reasons, this variant has been classified as Pathogenic. This variant has not been reported in the literature in individuals affected with QARS-related conditions.

Literature cited by the submitters: PubMed 24656866; PubMed 25471517.